The following is an entry in ClinVar:

ClinVar aggregate classification (germline): Uncertain significance (1 of 4 stars; one submission).

Allele frequency attached by ClinVar (database versions not stated): gnomAD exomes 0.00001; ExAC 0.00002; gnomAD 0.00006 and 0.00007; TOPMed 0.00007; ESP Exome Variant Server 0.00028.
gnomAD v4.1: 7 of 1,199,701 alleles (0.00058%); highest among the groups gnomAD compares: African/African-American, 0.012%; no homozygotes.

Submission:

GeneDx
Classification: Uncertain significance. Last evaluated: 2025-03-10. Review status: criteria provided, single submitter. Criteria: GeneDx Variant Classification Process June 2021. Collection method: clinical testing. Allele origin: germline. Affected: yes.
Comment: In silico analysis indicates that this missense variant does not alter protein structure/function; Has not been previously published as pathogenic or benign to our knowledge

NM_153252.5(BRWD3):c.5078G>T (p.Gly1693Val)

Gene: BRWD3 (bromodomain and WD repeat domain containing 3; minus strand). Cytogenetic location: Xq21.1.
Variant type: single nucleotide variant.
Coding change: c.5078G>T on transcript NM_153252.5 (MANE Select); coding-DNA position 5078, G replaced by T.
Protein change: p.Gly1693Val; replaces glycine 1693 with valine.
Molecular consequence: missense variant.
Genome position (GRCh38, 1-based): chrX:80,676,940, C>A on the plus strand (G>T on the coding strand, the complement: BRWD3 is on the minus strand). VCF-style: chrX-80676940-C-A. GRCh37 (hg19) VCF-style: chrX-79932439-C-A.
Other names: short protein forms G1693V.
Identifiers: ClinVar variation 1307383 (VCV001307383.4), dbSNP rs143090181, ClinGen allele CA10461576.